The following is an entry in ClinVar:

NM_000088.4(COL1A1):c.2333C>T (p.Pro778Leu)

Gene: COL1A1 (collagen type I alpha 1 chain; minus strand). Cytogenetic location: 17q21.33.
Variant type: single nucleotide variant.
Coding change: c.2333C>T on transcript NM_000088.4 (MANE Select); coding-DNA position 2333, C replaced by T.
Protein change: p.Pro778Leu; replaces proline 778 with leucine.
Molecular consequence: missense variant.
Genome position (GRCh38, 1-based): chr17:50,190,827, G>A on the plus strand (C>T on the coding strand, the complement: COL1A1 is on the minus strand). VCF-style: chr17-50190827-G-A. GRCh37 (hg19) VCF-style: chr17-48268188-G-A.
Other names: short protein forms P778L.
Identifiers: ClinVar variation 643575 (VCV000643575.9), dbSNP rs1181679779, ClinGen allele CA400209817.

ClinVar aggregate classification (germline): Uncertain significance (1 of 4 stars; one submission).

Conditions:
Osteogenesis imperfecta type I (OI1). Also called: OI, TYPE I; OSTEOGENESIS IMPERFECTA TARDA; OSTEOGENESIS IMPERFECTA WITH BLUE SCLERAE; Classic Non-deforming Osteogenesis Imperfecta with Blue Sclerae; Osteogenesis imperfecta type 1; Lobstein disease. Identifiers: Orphanet 216796, Orphanet 666, MedGen C0023931, MONDO:0008146, OMIM 166200. Disease mechanism: loss of function.

Allele frequency attached by ClinVar (database versions not stated): TOPMed below 0.00001; gnomAD 0.00001; gnomAD exomes 0.00001 and 0.00002.
gnomAD v4.1: 23 of 1,613,572 alleles (0.0014%); highest among the groups gnomAD compares: Non-Finnish European, 0.0018%; no homozygotes.

Submission:

Labcorp Genetics (formerly Invitae), Labcorp
Classification: Uncertain significance for Osteogenesis imperfecta type I. Last evaluated: 2024-06-25. Review status: criteria provided, single submitter. Criteria: Invitae Variant Classification Sherloc (09022015). Collection method: clinical testing. Allele origin: germline.
Comment: This sequence change replaces proline, which is neutral and non-polar, with leucine, which is neutral and non-polar, at codon 778 of the COL1A1 protein (p.Pro778Leu). This variant is present in population databases (no rsID available, gnomAD 0.003%). This variant has not been reported in the literature in individuals affected with COL1A1-related conditions. ClinVar contains an entry for this variant (Variation ID: 643575). Advanced modeling of protein sequence and biophysical properties (such as structural, functional, and spatial information, amino acid conservation, physicochemical variation, residue mobility, and thermodynamic stability) has been performed at Invitae for this missense variant, however the output from this modeling did not meet the statistical confidence thresholds required to predict the impact of this variant on COL1A1 protein function. In summary, the available evidence is currently insufficient to determine the role of this variant in disease. Therefore, it has been classified as a Variant of Uncertain Significance.